The following is an entry in ClinVar:

ClinVar aggregate classification (germline): Uncertain significance (1 of 4 stars; one submission).

Allele frequency attached by ClinVar (database versions not stated): TOPMed below 0.00001.

Submission:

Labcorp Genetics (formerly Invitae), Labcorp
Classification: Uncertain significance. Last evaluated: 2022-03-18. Review status: criteria provided, single submitter. Criteria: Invitae Variant Classification Sherloc (09022015). Collection method: clinical testing. Allele origin: germline.
Comment: In summary, the available evidence is currently insufficient to determine the role of this variant in disease. Therefore, it has been classified as a Variant of Uncertain Significance. Algorithms developed to predict the effect of missense changes on protein structure and function are either unavailable or do not agree on the potential impact of this missense change (SIFT: "Deleterious"; PolyPhen-2: "Possibly Damaging"; Align-GVGD: "Class C0"). ClinVar contains an entry for this variant (Variation ID: 971497). This variant has not been reported in the literature in individuals affected with TUBGCP6-related conditions. This variant is not present in population databases (gnomAD no frequency). This sequence change replaces isoleucine, which is neutral and non-polar, with asparagine, which is neutral and polar, at codon 1740 of the TUBGCP6 protein (p.Ile1740Asn).

NM_020461.4(TUBGCP6):c.5219T>A (p.Ile1740Asn)

Gene: TUBGCP6 (tubulin gamma complex component 6; minus strand). Cytogenetic location: 22q13.33.
Variant type: single nucleotide variant.
Coding change: c.5219T>A on transcript NM_020461.4 (MANE Select); coding-DNA position 5219, T replaced by A.
Protein change: p.Ile1740Asn; replaces isoleucine 1740 with asparagine.
Molecular consequence: missense variant.
Genome position (GRCh38, 1-based): chr22:50,218,067, A>T on the plus strand (T>A on the coding strand, the complement: TUBGCP6 is on the minus strand). VCF-style: chr22-50218067-A-T. GRCh37 (hg19) VCF-style: chr22-50656496-A-T.
Other names: short protein forms I1740N.
Identifiers: ClinVar variation 971497 (VCV000971497.6), dbSNP rs748339516, ClinGen allele CA412163216.